The following is an entry in ClinVar:

NM_001397406.1(FDX2):c.175G>T (p.Gly59Cys)

Genes: FDX2 (ferredoxin 2; minus strand), FDX2-ZGLP1 (FDX2-ZGLP1 readthrough (NMD candidate); minus strand), LOC130063486 (ATAC-STARR-seq lymphoblastoid silent region 10064; plus strand). Cytogenetic location: 19p13.2.
Variant type: single nucleotide variant.
Coding change: c.175G>T on transcript NM_001397406.1 (MANE Select); coding-DNA position 175, G replaced by T.
Protein change: p.Gly59Cys; replaces glycine 59 with cysteine.
Molecular consequence: missense variant.
Genome position (GRCh38, 1-based): chr19:10,315,730, C>A on the plus strand (G>T on the coding strand, the complement: FDX2 is on the minus strand). VCF-style: chr19-10315730-C-A. GRCh37 (hg19) VCF-style: chr19-10426406-C-A.
Other names: c.184G>T, p.Gly62Cys (NM_001031734.4); short protein forms G59C, G62C.
Identifiers: ClinVar variation 2111824 (VCV002111824.4), dbSNP rs2040376288, ClinGen allele CA403979169.

ClinVar aggregate classification (germline): Uncertain significance (1 of 4 stars; one submission).

Allele frequency attached by ClinVar (database versions not stated): TOPMed below 0.00001.

Submission:

Labcorp Genetics (formerly Invitae), Labcorp
Classification: Uncertain significance. Last evaluated: 2023-08-17. Review status: criteria provided, single submitter. Criteria: Invitae Variant Classification Sherloc (09022015). Collection method: clinical testing. Allele origin: germline.
Comment: In summary, the available evidence is currently insufficient to determine the role of this variant in disease. Therefore, it has been classified as a Variant of Uncertain Significance. Experimental studies and prediction algorithms are not available or were not evaluated, and the functional significance of this variant is currently unknown. ClinVar contains an entry for this variant (Variation ID: 2111824). This variant has not been reported in the literature in individuals affected with FDX2-related conditions. This variant is not present in population databases (gnomAD no frequency). This sequence change replaces glycine, which is neutral and non-polar, with cysteine, which is neutral and slightly polar, at codon 62 of the FDX2 protein (p.Gly62Cys).